The following is an entry in ClinVar:

ClinVar aggregate classification (germline): Uncertain significance (1 of 4 stars; one submission).

Conditions:
Regional enteritis. Also called: Enteritis, Granulomatous. Identifiers: MedGen C0678202, MeSH D003424.
Blau syndrome (BLAUS). Also called: ARTHROCUTANEOUVEAL GRANULOMATOSIS; GRANULOMATOSIS, FAMILIAL JUVENILE SYSTEMIC; GRANULOMATOSIS, FAMILIAL, BLAU TYPE; GRANULOMATOUS INFLAMMATORY ARTHRITIS, DERMATITIS, AND UVEITIS, FAMILIAL; JABS SYNDROME. Identifiers: Orphanet 90340, MedGen C5201146, MONDO:0008523, OMIM 186580.

gnomAD v4.1: 36 of 1,613,644 alleles (0.0022%); highest among the groups gnomAD compares: Non-Finnish European, 0.0031%; no homozygotes.

Submission:

Labcorp Genetics (formerly Invitae), Labcorp
Classification: Uncertain significance for Regional enteritis; Blau syndrome. Last evaluated: 2025-08-25. Review status: criteria provided, single submitter. Criteria: Invitae Variant Classification Sherloc (09022015). Collection method: clinical testing. Allele origin: germline.
Comment: This sequence change replaces alanine, which is neutral and non-polar, with aspartic acid, which is acidic and polar, at codon 33 of the NOD2 protein (p.Ala33Asp). This variant is present in population databases (no rsID available, gnomAD 0.002%). This missense change has been observed in individual(s) with inflammatory bowel disease (PMID: 28422189). Invitae Evidence Modeling of protein sequence and biophysical properties (such as structural, functional, and spatial information, amino acid conservation, physicochemical variation, residue mobility, and thermodynamic stability) indicates that this missense variant is not expected to disrupt NOD2 protein function with a negative predictive value of 95%. In summary, the available evidence is currently insufficient to determine the role of this variant in disease. Therefore, it has been classified as a Variant of Uncertain Significance.

Literature cited by the submitters: PubMed 28422189.

NM_001370466.1(NOD2):c.17C>A (p.Ala6Asp)

Gene: NOD2 (nucleotide binding oligomerization domain containing 2; plus strand). Cytogenetic location: 16q12.1.
Variant type: single nucleotide variant.
Coding change: c.17C>A on transcript NM_001370466.1 (MANE Select); coding-DNA position 17, C replaced by A.
Protein change: p.Ala6Asp; replaces alanine 6 with aspartic acid.
Molecular consequence: missense variant. On other transcripts: non-coding transcript variant (1).
Genome position (GRCh38, 1-based): chr16:50,699,512, C>A. VCF-style: chr16-50699512-C-A. GRCh37 (hg19) VCF-style: chr16-50733423-C-A.
Other names: c.17C>A, p.Ala6Asp (NM_001293557.2); c.98C>A, p.Ala33Asp (NM_022162.3); short protein forms A6D, A33D.
Identifiers: ClinVar variation 4788964 (VCV004788964.1).